The following is an entry in ClinVar:

NM_015922.3(NSDHL):c.1037C>A (p.Ala346Asp)

Gene: NSDHL (NAD(P) dependent 3-beta-hydroxysteroid dehydrogenase NSDHL; plus strand). Cytogenetic location: Xq28.
Variant type: single nucleotide variant.
Coding change: c.1037C>A on transcript NM_015922.3 (MANE Select); coding-DNA position 1037, C replaced by A.
Protein change: p.Ala346Asp; replaces alanine 346 with aspartic acid.
Molecular consequence: missense variant.
Genome position (GRCh38, 1-based): chrX:152,869,031, C>A. VCF-style: chrX-152869031-C-A. GRCh37 (hg19) VCF-style: chrX-152037575-C-A.
Other names: c.1037C>A, p.Ala346Asp (NM_001129765.2); short protein forms A346D.
Identifiers: ClinVar variation 2429259 (VCV002429259.3), dbSNP rs782563536, ClinGen allele CA415287562.

ClinVar aggregate classification (germline): Uncertain significance (1 of 4 stars; one submission).

Submission:

Women's Health and Genetics/Laboratory Corporation of America, LabCorp
Classification: Uncertain significance. Last evaluated: 2023-01-26. Review status: criteria provided, single submitter. Criteria: LabCorp Variant Classification Summary - May 2015. Collection method: clinical testing. Allele origin: germline.
Comment: Variant summary: NSDHL c.1037C>A (p.Ala346Asp) results in a non-conservative amino acid change in the encoded protein sequence. Four of five in-silico tools predict a benign effect of the variant on protein function. The variant was absent in 183080 control chromosomes. The available data on variant occurrences in the general population are insufficient to allow any conclusion about variant significance. To our knowledge, no occurrence of c.1037C>A in individuals affected with NSDHL-Related Disorders and no experimental evidence demonstrating its impact on protein function have been reported. No clinical diagnostic laboratories have submitted clinical-significance assessments for this variant to ClinVar after 2014. Based on the evidence outlined above, the variant was classified as uncertain significance.